The following is an entry in ClinVar:

NM_007294.4(BRCA1):c.4358-9C>T

Gene: BRCA1 (BRCA1 DNA repair associated; minus strand). Cytogenetic location: 17q21.31.
Variant type: single nucleotide variant.
Coding change: c.4358-9C>T on transcript NM_007294.4 (MANE Select); 9 bases into the intron before coding-DNA position 4358, C replaced by T.
Molecular consequence: intron variant.
Genome position (GRCh38, 1-based): chr17:43,076,623, G>A on the plus strand (C>T on the coding strand, the complement: BRCA1 is on the minus strand). VCF-style: chr17-43076623-G-A. GRCh37 (hg19) VCF-style: chr17-41228640-G-A.
Other names: c.4091-12C>T (NM_001407936.1, NM_001407935.1); c.932-12C>T (NM_001408423.1, NM_001408422.1); c.4235-9C>T (NM_001407665.1, NM_001407664.1, NM_001407668.1 and 6 more transcripts); c.932-9C>T (NM_001408420.1, NM_001408419.1, NM_001408418.1); c.4211-9C>T (NM_001407849.1, NM_001407853.1, NM_001407848.1 and 1 more transcripts); c.1046-9C>T (NM_001407980.1, NM_001408472.1, NM_001407990.1 and 9 more transcripts); c.1046-12C>T (NM_001408404.1, NM_001408473.1, NM_001408399.1 and 5 more transcripts); c.4214-12C>T (NM_001407845.1, NM_001407852.1, NM_001407842.1 and 8 more transcripts); and 98 more.
Identifiers: ClinVar variation 383193 (VCV000383193.12), dbSNP rs1057521549, ClinGen allele CA16607609.
Genomic context (GRCh38, chr17:43,076,623, plus strand): 5'-TCTGGATTCTGGCTTATAGGGTATTCACTACTTTTCTGTGAAGTTAATACTGCTTTAAAT[G>A]GAATGAGAAAACAAATCTACTTTACTGCTTTGTTCTGATAGTGATAATTCAGGTTAGAAT-3'

ClinVar aggregate classification (germline): Likely benign. Review status: criteria provided, multiple submitters, no conflicts (2 of 4 stars). 2 submissions from 2 submitters: Likely benign (2). Last evaluated 2024-08-04.

Conditions:
Hereditary breast ovarian cancer syndrome. Also called: Hereditary breast and ovarian cancer syndrome; Hereditary breast and ovarian cancer; Breast and ovarian cancer; BRCA1- and BRCA2-Associated Hereditary Breast and Ovarian Cancer; Hereditary breast and/or ovarian cancer syndrome; Hereditary breast and ovarian cancer syndrome (HBOC). Identifiers: Orphanet 145, MedGen C0677776, MeSH D061325, MONDO:0003582. Disease mechanism: loss of function.

Submissions (2):

Labcorp Genetics (formerly Invitae), Labcorp
Classification: Likely benign for Hereditary breast ovarian cancer syndrome. Last evaluated: 2024-08-04. Review status: criteria provided, single submitter. Criteria: Invitae Variant Classification Sherloc (09022015). Collection method: clinical testing. Allele origin: germline.

GeneDx
Classification: Likely benign. Last evaluated: 2016-01-18. Review status: criteria provided, single submitter. Criteria: GeneDx Variant Classification (06012015). Collection method: clinical testing. Allele origin: germline. Affected: yes.
Comment: This variant is considered likely benign or benign based on one or more of the following criteria: it is a conservative change, it occurs at a poorly conserved position in the protein, it is predicted to be benign by multiple in silico algorithms, and/or has population frequency not consistent with disease.